The following is an entry in ClinVar:

NM_203446.3(SYNJ1):c.244A>T (p.Thr82Ser)

Gene: SYNJ1 (synaptojanin 1; minus strand). Cytogenetic location: 21q22.11.
Variant type: single nucleotide variant.
Coding change: c.244A>T on transcript NM_203446.3 (MANE Select); coding-DNA position 244, A replaced by T.
Protein change: p.Thr82Ser; replaces threonine 82 with serine.
Molecular consequence: missense variant.
Genome position (GRCh38, 1-based): chr21:32,700,073, T>A on the plus strand (A>T on the coding strand, the complement: SYNJ1 is on the minus strand). VCF-style: chr21-32700073-T-A. GRCh37 (hg19) VCF-style: chr21-34072383-T-A.
Other names: c.244A>T, p.Thr82Ser (NM_001160302.2, NM_001160306.2); c.361A>T, p.Thr121Ser (NM_003895.4); short protein forms T82S, T121S.
Identifiers: ClinVar variation 862638 (VCV000862638.12), dbSNP rs2042346087, ClinGen allele CA410102043.
Genomic context (GRCh38, chr21:32,700,073, plus strand): 5'-CAGTGGAAGTAACTCGGAAAACTTCAGATTCTTGAATTTTTCCAACAGACATACATCCAG[T>A]GACTAGGACCAGATAATGTAACATAGTATCACCTGCAAAACCCAAAGATTTTACTGGATG-3'
Protein context (NP_982271.3, residues 72-92): DTMLHYLVLV[Thr82Ser]GCMSVGKIQE

ClinVar aggregate classification (germline): Uncertain significance (1 of 4 stars; one submission).

Conditions:
Developmental and epileptic encephalopathy, 53. Also called: Epileptic encephalopathy, early infantile, 53. Identifiers: MedGen C4479313, MONDO:0033362, OMIM 617389.
Early-onset Parkinson disease 20. Also called: PARKINSON DISEASE 20, AUTOSOMAL RECESSIVE EARLY-ONSET. Identifiers: Orphanet 391411, MedGen C3809824, MONDO:0014233, OMIM 615530.

Submission:

Labcorp Genetics (formerly Invitae), Labcorp
Classification: Uncertain significance for Developmental and epileptic encephalopathy, 53; Early-onset Parkinson disease 20. Last evaluated: 2023-12-06. Review status: criteria provided, single submitter. Criteria: Invitae Variant Classification Sherloc (09022015). Collection method: clinical testing. Allele origin: germline.
Comment: This sequence change replaces threonine, which is neutral and polar, with serine, which is neutral and polar, at codon 121 of the SYNJ1 protein (p.Thr121Ser). This variant is not present in population databases (gnomAD no frequency). This variant has not been reported in the literature in individuals affected with SYNJ1-related conditions. ClinVar contains an entry for this variant (Variation ID: 862638). Advanced modeling of protein sequence and biophysical properties (such as structural, functional, and spatial information, amino acid conservation, physicochemical variation, residue mobility, and thermodynamic stability) performed at Invitae indicates that this missense variant is not expected to disrupt SYNJ1 protein function with a negative predictive value of 80%. In summary, the available evidence is currently insufficient to determine the role of this variant in disease. Therefore, it has been classified as a Variant of Uncertain Significance.